The following is an entry in ClinVar:

NM_152906.7(TANGO2):c.698G>A (p.Gly233Asp)

Gene: TANGO2 (transport and golgi organization 2 homolog; plus strand). Cytogenetic location: 22q11.21.
Variant type: single nucleotide variant.
Coding change: c.698G>A on transcript NM_152906.7 (MANE Select); coding-DNA position 698, G replaced by A.
Protein change: p.Gly233Asp; replaces glycine 233 with aspartic acid.
Molecular consequence: missense variant. On other transcripts: nonsense (5), 3 prime UTR variant (1), non-coding transcript variant (5), intron variant (1).
Genome position (GRCh38, 1-based): chr22:20,063,430, G>A. VCF-style: chr22-20063430-G-A. GRCh37 (hg19) VCF-style: chr22-20050953-G-A.
Other names: c.698G>A, p.Gly233Asp (NM_001283106.3, NM_001283116.3, NM_001322142.2); c.821G>A, p.Gly274Asp (NM_001283129.3, NM_001322141.2, NM_001322143.2); c.696G>A, p.Trp232Ter (NM_001283148.3, NM_001283154.3); c.512G>A, p.Gly171Asp (NM_001283179.3, NM_001283186.3, NM_001322163.2 and 2 more transcripts); c.473G>A, p.Gly158Asp (NM_001283199.3); c.404G>A, p.Gly135Asp (NM_001283235.3, NM_001322150.2, NM_001322153.2 and 6 more transcripts); c.*34G>A (NM_001283248.3); c.819G>A, p.Trp273Ter (NM_001322144.2); and 5 more; short protein forms W170*, W232*, G199D, G212D, W273*, G171D, G274D, W198*.
Identifiers: ClinVar variation 2007238 (VCV002007238.4), dbSNP rs2519150712, ClinGen allele CA410700421.

ClinVar aggregate classification (germline): Uncertain significance (1 of 4 stars; one submission).

Submission:

Labcorp Genetics (formerly Invitae), Labcorp
Classification: Uncertain significance. Last evaluated: 2022-06-22. Review status: criteria provided, single submitter. Criteria: Invitae Variant Classification Sherloc (09022015). Collection method: clinical testing. Allele origin: germline.
Comment: In summary, the available evidence is currently insufficient to determine the role of this variant in disease. Therefore, it has been classified as a Variant of Uncertain Significance. Algorithms developed to predict the effect of missense changes on protein structure and function output the following: SIFT: "Not Available"; PolyPhen-2: "Benign"; Align-GVGD: "Not Available". The aspartic acid amino acid residue is found in multiple mammalian species, which suggests that this missense change does not adversely affect protein function. This variant has not been reported in the literature in individuals affected with TANGO2-related conditions. This variant is not present in population databases (gnomAD no frequency). This sequence change replaces glycine, which is neutral and non-polar, with aspartic acid, which is acidic and polar, at codon 233 of the TANGO2 protein (p.Gly233Asp).